The following is an entry in ClinVar:

NM_001267550.2(TTN):c.97520del (p.Gln32507fs)

Genes: TTN (titin; minus strand), TTN-AS1 (TTN antisense RNA 1; plus strand). Cytogenetic location: 2q31.2.
Variant type: Deletion.
Coding change: c.97520del on transcript NM_001267550.2 (MANE Select); coding-DNA position 97520, one base deleted (A; older notation c.97520delA).
Protein change: p.Gln32507fs; shifts the reading frame from glutamine 32507.
Molecular consequence: frameshift variant.
Genome position (GRCh38, 1-based): chr2:178,541,557, T deleted on the plus strand (A on the coding strand, the reverse complement: TTN is on the minus strand). VCF-style (leftmost placement, unchanged base first): chr2-178541556-CT-C. GRCh37 (hg19) VCF-style: chr2-179406283-CT-C.
Other names: c.92597del, p.Gln30866fs (NM_001256850.1); c.70325del, p.Gln23442fs (NM_003319.4); c.89816del, p.Gln29939fs (NM_133378.4); c.70700del, p.Gln23567fs (NM_133432.3); c.70901del, p.Gln23634fs (NM_133437.4); short protein forms Q23634fs, Q23442fs, Q29939fs, Q30866fs, Q32507fs, Q23567fs.
Identifiers: ClinVar variation 960658 (VCV000960658.10), dbSNP rs1694523513, ClinGen allele CA1139657415.

ClinVar aggregate classification (germline): Likely pathogenic (1 of 4 stars; one submission).

Conditions:
Dilated cardiomyopathy 1G (CMD1G). Identifiers: Orphanet 154, MedGen C1858763, MONDO:0011400, OMIM 604145.
Autosomal recessive limb-girdle muscular dystrophy type 2J (LGMDR10). Also called: Limb-girdle muscular dystrophy, type 2J; MUSCULAR DYSTROPHY, LIMB-GIRDLE, AUTOSOMAL RECESSIVE 10. Identifiers: Orphanet 140922, MedGen C1837342, MONDO:0012127, OMIM 608807.

Submission:

Labcorp Genetics (formerly Invitae), Labcorp
Classification: Likely pathogenic for Dilated cardiomyopathy 1G; Autosomal recessive limb-girdle muscular dystrophy type 2J. Last evaluated: 2019-08-14. Review status: criteria provided, single submitter. Criteria: Invitae Variant Classification Sherloc (09022015). Collection method: clinical testing. Allele origin: germline.
Comment: This variant is not present in population databases (ExAC no frequency). This sequence change results in a premature translational stop signal in the TTN gene (p.Gln32507Argfs*10). While this is not anticipated to result in nonsense mediated decay, it is expected to create a truncated TTN protein. This variant has not been reported in the literature in individuals with TTN-related conditions. This variant is located in the A band of TTN (PMID: 25589632). Truncating variants in this region are significantly overrepresented in patients affected with dilated cardiomyopathy (PMID: 25589632). Truncating variants in this region have also been reported in individuals affected with autosomal recessive centronuclear myopathy (PMID: 23975875). In summary, the currently available evidence indicates that the variant is pathogenic, but additional data are needed to prove that conclusively. Therefore, this variant has been classified as Likely Pathogenic.

Literature cited by the submitters: PubMed 25589632; PubMed 23975875.